The following is an entry in ClinVar:

NM_014806.5(RUSC2):c.2695_2698del (p.Tyr899fs)

Gene: RUSC2 (RUN and SH3 domain containing 2; plus strand). Cytogenetic location: 9p13.3.
Variant type: Deletion.
Coding change: c.2695_2698del on transcript NM_014806.5 (MANE Select); coding-DNA positions 2695 to 2698, 4 bases deleted (TACA; older notation c.2695_2698delTACA).
Protein change: p.Tyr899fs; shifts the reading frame from tyrosine 899.
Molecular consequence: frameshift variant. On other transcripts: non-coding transcript variant (1).
Genome position (GRCh38, 1-based): chr9:35,555,990-35,555,993, TACA deleted; deleting any 4 consecutive bases within chr9:35,555,989-35,555,993 gives the same sequence; the c. name uses the placement nearest the transcript's 3' end. VCF-style (leftmost placement, unchanged base first): chr9-35555988-AATAC-A. GRCh37 (hg19) VCF-style: chr9-35555985-AATAC-A.
Other names: c.2695_2698del, p.Tyr899fs (NM_001135999.2); c.61_64del, p.Tyr21fs (NM_001330740.2); short protein forms Y21fs, Y899fs.
Identifiers: ClinVar variation 2028212 (VCV002028212.4), dbSNP rs2490404732, ClinGen allele CA2580080436.

ClinVar aggregate classification (germline): Pathogenic (1 of 4 stars; one submission).

Submission:

Labcorp Genetics (formerly Invitae), Labcorp
Classification: Pathogenic. Last evaluated: 2022-08-31. Review status: criteria provided, single submitter. Criteria: Invitae Variant Classification Sherloc (09022015). Collection method: clinical testing. Allele origin: germline.
Comment: This sequence change creates a premature translational stop signal (p.Tyr899Glyfs*6) in the RUSC2 gene. It is expected to result in an absent or disrupted protein product. Loss-of-function variants in RUSC2 are known to be pathogenic (PMID: 27612186). This variant is not present in population databases (gnomAD no frequency). This variant has not been reported in the literature in individuals affected with RUSC2-related conditions. For these reasons, this variant has been classified as Pathogenic.

Literature cited by the submitters: PubMed 27612186.